The following is an entry in ClinVar:

NM_000540.3(RYR1):c.2680C>T (p.Pro894Ser)

Gene: RYR1 (ryanodine receptor 1; plus strand). Cytogenetic location: 19q13.2.
Variant type: single nucleotide variant.
Coding change: c.2680C>T on transcript NM_000540.3 (MANE Select); coding-DNA position 2680, C replaced by T.
Protein change: p.Pro894Ser; replaces proline 894 with serine.
Molecular consequence: missense variant.
Genome position (GRCh38, 1-based): chr19:38,463,525, C>T. VCF-style: chr19-38463525-C-T. GRCh37 (hg19) VCF-style: chr19-38954165-C-T.
Other names: c.2680C>T, p.Pro894Ser (NM_001042723.2); short protein forms P894S.
Identifiers: ClinVar variation 4758053 (VCV004758053.1).

ClinVar aggregate classification (germline): Uncertain significance (1 of 4 stars; one submission).

Conditions:
Malignant hyperthermia, susceptibility to, 1 (MHS1). Also called: RYR1-Related Malignant Hyperthermia Susceptibility; Malignant hyperthermia suceptibility 1; Anesthesia related hyperthermia; Malignant hyperpyrexia; Fulminating hyperpyrexia; Pharmacogenic myopathy. Identifiers: Orphanet 423, MedGen C2930980, MONDO:0007783, OMIM 145600.

Submission:

Color Diagnostics, LLC DBA Color Health
Classification: Uncertain significance for Malignant hyperthermia, susceptibility to, 1. Last evaluated: 2025-08-26. Review status: criteria provided, single submitter. Criteria: ACMG Guidelines, 2015. Collection method: clinical testing. Allele origin: germline.
Comment: This missense variant replaces proline with serine at codon 894 of the RYR1 protein. Computational prediction suggests that this variant may not impact protein structure and function. To our knowledge, functional studies have not been reported for this variant. This variant has not been reported in individuals affected with RYR1-related disorders in the literature. This variant has been identified in 2/246418 chromosomes in the general population by the Genome Aggregation Database (gnomAD). The available evidence is insufficient to determine the role of this variant in disease conclusively. Therefore, this variant is classified as a Variant of Uncertain Significance.